The following is an entry in ClinVar:

ClinVar aggregate classification (germline): Conflicting classifications of pathogenicity. Review status: criteria provided, conflicting classifications (1 of 4 stars). 4 submissions from 4 submitters: Uncertain significance (2); Likely benign (1). 1 of the submissions does not count toward it. Last evaluated 2026-01-06.

Conditions:
Inborn genetic diseases. Identifiers: MedGen C0950123, MeSH D030342.
Congenital hyperammonemia, type I. Also called: Carbamoyl-phosphate synthase I deficiency; Carbamoyl phosphate synthetase 1 deficiency; Hyperammonemia due to carbamoyl phosphate synthetase 1 deficiency; CPS 1 deficiency; Carbamyl phosphate synthetase (CPS) deficiency; CPS I DEFICIENCY. Identifiers: Orphanet 147, MedGen C4082171, MONDO:0009376, OMIM 237300.

Allele frequency attached by ClinVar (database versions not stated): gnomAD 0.00001; ExAC 0.00003; TOPMed 0.00003; gnomAD exomes 0.00004 and 0.00006.
gnomAD v4.1: 55 of 1,613,446 alleles (0.0034%); highest among the groups gnomAD compares: South Asian, 0.015%; no homozygotes.

Submissions (4):

Labcorp Genetics (formerly Invitae), Labcorp
Classification: Likely benign for Congenital hyperammonemia, type I. Last evaluated: 2026-01-06. Review status: criteria provided, single submitter. Criteria: Invitae Variant Classification Sherloc (09022015). Collection method: clinical testing. Allele origin: germline.

GeneDx
Classification: Uncertain significance. Last evaluated: 2024-12-23. Review status: criteria provided, single submitter. Criteria: GeneDx Variant Classification Process June 2021. Collection method: clinical testing. Allele origin: germline. Affected: yes.
Comment: Has not been previously published as pathogenic or benign to our knowledge; In silico analysis indicates that this missense variant does not alter protein structure/function

Ambry Genetics
Classification: Uncertain significance for Inborn genetic diseases. Last evaluated: 2024-01-16. Review status: criteria provided, single submitter. Criteria: Ambry Variant Classification Scheme 2023. Collection method: clinical testing. Allele origin: germline.

Natera, Inc.
Classification: Uncertain significance for Carbamoyl-phosphate synthase I deficiency. Last evaluated: 2019-10-28. Review status: no assertion criteria provided. Collection method: clinical testing. Allele origin: germline. Not counted in ClinVar's aggregate classification.

NM_001875.5(CPS1):c.4112G>A (p.Arg1371Gln)

Gene: CPS1 (carbamoyl-phosphate synthase 1; plus strand). Cytogenetic location: 2q34.
Variant type: single nucleotide variant.
Coding change: c.4112G>A on transcript NM_001875.5 (MANE Select); coding-DNA position 4112, G replaced by A.
Protein change: p.Arg1371Gln; replaces arginine 1371 with glutamine.
Molecular consequence: missense variant. On other transcripts: non-coding transcript variant (2).
Genome position (GRCh38, 1-based): chr2:210,674,912, G>A. VCF-style: chr2-210674912-G-A. GRCh37 (hg19) VCF-style: chr2-211539636-G-A.
Other names: c.4112G>A (LRG_336t1); c.4112G>A, p.Arg1371Gln (NM_001122633.3, NM_001369257.1); c.4145G>A, p.Arg1382Gln (NM_001369256.1); short protein forms R1371Q, R1382Q.
Identifiers: ClinVar variation 579049 (VCV000579049.12), dbSNP rs765106604, ClinGen allele CA2087193.